The following is an entry in ClinVar:

ClinVar aggregate classification (germline): Uncertain significance (1 of 4 stars; one submission).

gnomAD v4.1: 1 of 1,533,252 alleles (0.000065%); highest among the groups gnomAD compares: Non-Finnish European, 0.00009%; no homozygotes.

Submission:

GeneDx
Classification: Uncertain significance. Last evaluated: 2022-03-21. Review status: criteria provided, single submitter. Criteria: GeneDx Variant Classification Process June 2021. Collection method: clinical testing. Allele origin: germline. Affected: yes.
Comment: Variants in candidate genes are classified as variants of uncertain significance in accordance with ACMG guidelines (Richards et al., 2015); Canonical splice site variant in a gene or region of a gene for which loss of function is not a well-established mechanism of disease; Has not been previously published as pathogenic or benign to our knowledge; Not observed at significant frequency in large population cohorts (gnomAD)

NM_033026.6(PCLO):c.15007+1G>C

Gene: PCLO (piccolo presynaptic cytomatrix protein; minus strand). Cytogenetic location: 7q21.11.
Variant type: single nucleotide variant.
Coding change: c.15007+1G>C on transcript NM_033026.6 (MANE Select); the canonical splice donor site of the intron after coding-DNA position 15007, G replaced by C.
Molecular consequence: splice donor variant.
Genome position (GRCh38, 1-based): chr7:82,801,517, C>G on the plus strand (G>C on the coding strand, the complement: PCLO is on the minus strand). VCF-style: chr7-82801517-C-G. GRCh37 (hg19) VCF-style: chr7-82430833-C-G.
Identifiers: ClinVar variation 3903219 (VCV003903219.1).